The following is an entry in ClinVar:

ClinVar aggregate classification (germline): Uncertain significance. Review status: criteria provided, multiple submitters, no conflicts (2 of 4 stars). 5 submissions from 5 submitters: Uncertain significance (4). 1 of the submissions does not count toward it. Last evaluated 2025-06-30.

Conditions:
Inborn genetic diseases. Identifiers: MedGen C0950123, MeSH D030342.
PKHD1-related disorder. Also called: PKHD1-related condition.
Polycystic kidney disease 4 (PKD4). Also called: Autosomal Recessive Polycystic Kidney Disease – PKHD1; POLYCYSTIC KIDNEY DISEASE 4 WITH OR WITHOUT POLYCYSTIC LIVER DISEASE; POLYCYSTIC KIDNEY AND HEPATIC DISEASE 1; POLYCYSTIC KIDNEY DISEASE, INFANTILE, TYPE I; PKD3. Identifiers: MedGen C4540575, MONDO:0033004, OMIM 263200.
Autosomal recessive polycystic kidney disease (ARPKD). Also called: AR polycystic kidney disease. Identifiers: Orphanet 731, Orphanet 8378, MedGen C0085548, MeSH D017044, MONDO:0009889.

Allele frequency attached by ClinVar (database versions not stated): gnomAD exomes 0.00001 and 0.00002; ExAC 0.00003; gnomAD 0.00005 and 0.00006; TOPMed 0.00008; ESP Exome Variant Server 0.00015.
gnomAD v4.1: 14 of 1,612,546 alleles (0.00087%); highest among the groups gnomAD compares: African/African-American, 0.015%; no homozygotes.

Submissions (5):

Ambry Genetics
Classification: Uncertain significance for Inborn genetic diseases. Last evaluated: 2025-06-30. Review status: criteria provided, single submitter. Criteria: Ambry Variant Classification Scheme 2023. Collection method: clinical testing. Allele origin: germline.

Fulgent Genetics
Classification: Uncertain significance for Polycystic kidney disease 4. Last evaluated: 2024-04-19. Review status: criteria provided, single submitter. Criteria: ACMG Guidelines, 2015. Collection method: clinical testing. Allele origin: germline.

Labcorp Genetics (formerly Invitae), Labcorp
Classification: Uncertain significance for Autosomal recessive polycystic kidney disease. Last evaluated: 2021-12-26. Review status: criteria provided, single submitter. Criteria: Invitae Variant Classification Sherloc (09022015). Collection method: clinical testing. Allele origin: germline.
Comment: This sequence change replaces isoleucine, which is neutral and non-polar, with valine, which is neutral and non-polar, at codon 2523 of the PKHD1 protein (p.Ile2523Val). This variant is present in population databases (rs146962673, gnomAD 0.02%). This variant has not been reported in the literature in individuals affected with PKHD1-related conditions. ClinVar contains an entry for this variant (Variation ID: 593347). Advanced modeling of protein sequence and biophysical properties (such as structural, functional, and spatial information, amino acid conservation, physicochemical variation, residue mobility, and thermodynamic stability) performed at Invitae indicates that this missense variant is not expected to disrupt PKHD1 protein function. Algorithms developed to predict the effect of sequence changes on RNA splicing suggest that this variant may create or strengthen a splice site. In summary, the available evidence is currently insufficient to determine the role of this variant in disease. Therefore, it has been classified as a Variant of Uncertain Significance.

Eurofins Ntd Llc (ga)
Classification: Uncertain significance. Last evaluated: 2017-07-20. Review status: criteria provided, single submitter. Criteria: EGL Classification Definitions 2015. Collection method: clinical testing. Allele origin: germline. Observed: 1 variant allele, 1 heterozygote.

PreventionGenetics, part of Exact Sciences
Classification: Uncertain significance for PKHD1-related condition. Last evaluated: 2024-04-30. Review status: no assertion criteria provided. Collection method: clinical testing. Allele origin: germline. Not counted in ClinVar's aggregate classification.
Comment: The PKHD1 c.7567A>G variant is predicted to result in the amino acid substitution p.Ile2523Val. To our knowledge, this variant has not been reported in the literature. This variant is reported in 0.020% of alleles in individuals of African descent in gnomAD. At this time, the clinical significance of this variant is uncertain due to the absence of conclusive functional and genetic evidence.

NM_138694.4(PKHD1):c.7567A>G (p.Ile2523Val)

Gene: PKHD1 (PKHD1 ciliary IPT domain containing fibrocystin/polyductin; minus strand). Cytogenetic location: 6p12.2.
Variant type: single nucleotide variant.
Coding change: c.7567A>G on transcript NM_138694.4 (MANE Select); coding-DNA position 7567, A replaced by G.
Protein change: p.Ile2523Val; replaces isoleucine 2523 with valine.
Molecular consequence: missense variant.
Genome position (GRCh38, 1-based): chr6:51,868,029, T>C on the plus strand (A>G on the coding strand, the complement: PKHD1 is on the minus strand). VCF-style: chr6-51868029-T-C. GRCh37 (hg19) VCF-style: chr6-51732827-T-C.
Other names: c.7567A>G, p.Ile2523Val (NM_170724.3); c.7567A>G (NM_138694.3); short protein forms I2523V.
Identifiers: ClinVar variation 593347 (VCV000593347.11), dbSNP rs146962673, ClinGen allele CA3851897.